The following is an entry in ClinVar:

NM_001332.4(CTNND2):c.656CGC[9] (p.Pro226dup)

Gene: CTNND2 (catenin delta 2; minus strand). Cytogenetic location: 5p15.2.
Variant type: Microsatellite.
Coding change: c.656CGC[9] on transcript NM_001332.4 (MANE Select); nine copies in a row of the 3-base unit CGC starting at c.656; the reference has eight copies in a row; one copy, 3 bases duplicated.
Protein change: p.Pro226dup; duplicates proline 226.
Molecular consequence: inframe insertion. On other transcripts: intron variant (3).
Genome position (GRCh38, 1-based): chr5:11,385,163-11,385,165, GCG duplicated on the plus strand (CGC on the coding strand, the reverse complement: CTNND2 is on the minus strand); duplicating any 3 consecutive bases within chr5:11,385,163-11,385,186 gives the same sequence; the position shown is the placement nearest the transcript's 3' end. VCF-style (leftmost placement, unchanged base first): chr5-11385162-C-CGCG. GRCh37 (hg19) VCF-style: chr5-11385274-C-CGCG.
Other names: c.677_679dupCGC (NM_001332.2, NM_001332.3); c.383CGC[9], p.Pro135dup (NM_001288715.1); c.-123+11845CGC[9] (NM_001288717.2); c.167-20296CGC[9] (NM_001364128.2, NM_001288716.1).
Identifiers: ClinVar variation 1241651 (VCV001241651.31), dbSNP rs557341981, ClinGen allele CA443542024.

ClinVar aggregate classification (germline): Benign/Likely benign. Review status: criteria provided, multiple submitters, no conflicts (2 of 4 stars). 6 submissions from 6 submitters: Benign (2); Likely benign (3). 1 of the submissions does not count toward it. Last evaluated 2026-08-01.

Conditions:
Inborn genetic diseases. Identifiers: MedGen C0950123, MeSH D030342.
CTNND2-related disorder. Also called: CTNND2-related condition.

Submissions (6):

CeGaT Center for Human Genetics Tuebingen
Classification: Likely benign. Last evaluated: 2026-08-01. Review status: criteria provided, single submitter. Criteria: CeGaT Center For Human Genetics Tuebingen Variant Classification Criteria Version 2. Collection method: clinical testing. Allele origin: germline. Affected: yes. Observed: 7 variant alleles.
Comment: CTNND2: BS2

Laboratory of Genetics, Children's Clinical University Hospital Latvia
Classification: Likely benign. Last evaluated: 2025-02-16. Review status: criteria provided, single submitter. Criteria: ACMG Guidelines, 2015. Collection method: clinical testing. Allele origin: germline. Affected: yes.

Blueprint Genetics
Classification: Likely benign. Last evaluated: 2024-11-26. Review status: criteria provided, single submitter. Criteria: ACMG Guidelines, 2015. Collection method: clinical testing. Allele origin: germline.

Ambry Genetics
Classification: Benign for Inborn genetic diseases. Last evaluated: 2022-05-12. Review status: criteria provided, single submitter. Criteria: Ambry Variant Classification Scheme 2023. Collection method: clinical testing. Allele origin: germline.

GeneDx
Classification: Benign. Last evaluated: 2019-05-28. Review status: criteria provided, single submitter. Criteria: GeneDx Variant Classification Process June 2021. Collection method: clinical testing. Allele origin: germline. Affected: yes.

PreventionGenetics, part of Exact Sciences
Classification: Benign for CTNND2-related condition. Last evaluated: 2023-10-26. Review status: no assertion criteria provided. Collection method: clinical testing. Allele origin: germline. Not counted in ClinVar's aggregate classification.
Comment: This variant is classified as benign based on ACMG/AMP sequence variant interpretation guidelines (Richards et al. 2015 PMID: 25741868, with internal and published modifications).